The following is an entry in ClinVar:

ClinVar aggregate classification (germline): Conflicting classifications of pathogenicity. Review status: criteria provided, conflicting classifications (1 of 4 stars). 7 submissions from 7 submitters: Uncertain significance (5); Likely benign (2). Last evaluated 2026-01-07.

Conditions:
TTN-related disorder. Also called: TTN-related condition; TTN-related disease; TTN-related disorders.
Dilated cardiomyopathy 1G (CMD1G). Identifiers: Orphanet 154, MedGen C1858763, MONDO:0011400, OMIM 604145.
Autosomal recessive limb-girdle muscular dystrophy type 2J (LGMDR10). Also called: Limb-girdle muscular dystrophy, type 2J; MUSCULAR DYSTROPHY, LIMB-GIRDLE, AUTOSOMAL RECESSIVE 10. Identifiers: Orphanet 140922, MedGen C1837342, MONDO:0012127, OMIM 608807.

Allele frequency attached by ClinVar (database versions not stated): TOPMed 0.00002; gnomAD 0.00003 and 0.00005; gnomAD exomes 0.00006 and 0.00012; ExAC 0.00016.
gnomAD v4.1: 99 of 1,614,002 alleles (0.0061%); highest among the groups gnomAD compares: South Asian, 0.081%; no homozygotes.

Submissions (7):

Labcorp Genetics (formerly Invitae), Labcorp
Classification: Likely benign for Dilated cardiomyopathy 1G; Autosomal recessive limb-girdle muscular dystrophy type 2J. Last evaluated: 2026-01-07. Review status: criteria provided, single submitter. Criteria: Invitae Variant Classification Sherloc (09022015). Collection method: clinical testing. Allele origin: germline.

PreventionGenetics, part of Exact Sciences
Classification: Uncertain significance for TTN-related condition. Last evaluated: 2025-07-07. Review status: criteria provided, single submitter. Criteria: ACMG Guidelines, 2015. Collection method: clinical testing. Allele origin: germline.
Comment: The TTN c.9908C>T variant is predicted to result in the amino acid substitution p.Pro3303Leu. To our knowledge, this variant has not been reported in the literature. This variant is reported in 0.082% of alleles in individuals of South Asian descent in gnomAD. Although we suspect that this variant may be benign, at this time, the clinical significance of this variant is uncertain due to the absence of conclusive functional and genetic evidence.

Women's Health and Genetics/Laboratory Corporation of America, LabCorp
Classification: Uncertain significance. Last evaluated: 2024-10-06. Review status: criteria provided, single submitter. Criteria: LabCorp Variant Classification Summary - May 2015. Collection method: clinical testing. Allele origin: germline.

Athena Diagnostics
Classification: Likely benign. Last evaluated: 2024-03-15. Review status: criteria provided, single submitter. Criteria: Athena Diagnostics Criteria. Collection method: clinical testing. Allele origin: unknown.

Mayo Clinic Laboratories, Mayo Clinic
Classification: Uncertain significance. Last evaluated: 2024-01-11. Review status: criteria provided, single submitter. Criteria: ACMG Guidelines, 2015. Collection method: clinical testing. Allele origin: germline. Observed: 1 variant allele.
Comment: BS1

Revvity Omics, Revvity
Classification: Uncertain significance. Last evaluated: 2019-04-10. Review status: criteria provided, single submitter. Criteria: ACMG Guidelines, 2015. Collection method: clinical testing. Allele origin: germline.

Laboratory for Molecular Medicine, Mass General Brigham Personalized Medicine
Classification: Uncertain significance. Last evaluated: 2013-10-18. Review status: criteria provided, single submitter. Criteria: LMM Criteria. Collection method: clinical testing. Allele origin: germline. Observed: 1 variant allele.
Comment: The Pro3303Leu variant in TTN has not been previously reported in the individual s with cardiomyopathy and was absent from large population studies. Computationa l analyses (biochemical amino acid properties, conservation, AlignGVGD, and SIFT ) suggest that this variant may impact the protein, though this information is n ot predictive enough to determine pathogenicity. Additional information is neede d to fully assess the clinical significance of this variant.

Literature cited by the submitters: PubMed 37904629 (cited by Athena Diagnostics).

NM_001267550.2(TTN):c.9908C>T (p.Pro3303Leu)

Gene: TTN (titin; minus strand). Cytogenetic location: 2q31.2.
Variant type: single nucleotide variant.
Coding change: c.9908C>T on transcript NM_001267550.2 (MANE Select); coding-DNA position 9908, C replaced by T.
Protein change: p.Pro3303Leu; replaces proline 3303 with leucine.
Molecular consequence: missense variant.
Genome position (GRCh38, 1-based): chr2:178,764,607, G>A on the plus strand (C>T on the coding strand, the complement: TTN is on the minus strand). VCF-style: chr2-178764607-G-A. GRCh37 (hg19) VCF-style: chr2-179629334-G-A.
Other names: c.9908C>T, p.Pro3303Leu (NM_133378.4, NM_001256850.1, NM_133379.5); c.9770C>T, p.Pro3257Leu (NM_003319.4, NM_133432.3, NM_133437.4); short protein forms P3303L, P3257L.
Identifiers: ClinVar variation 166292 (VCV000166292.22), dbSNP rs201379132, ClinGen allele CA179191.